The following is an entry in ClinVar:

NM_000260.4(MYO7A):c.2287A>C (p.Asn763His)

Gene: MYO7A (myosin VIIA; plus strand). Cytogenetic location: 11q13.5.
Variant type: single nucleotide variant.
Coding change: c.2287A>C on transcript NM_000260.4 (MANE Select); coding-DNA position 2287, A replaced by C.
Protein change: p.Asn763His; replaces asparagine 763 with histidine.
Molecular consequence: missense variant.
Genome position (GRCh38, 1-based): chr11:77,179,049, A>C. VCF-style: chr11-77179049-A-C. GRCh37 (hg19) VCF-style: chr11-76890095-A-C.
Other names: c.2287A>C, p.Asn763His (NM_001127180.2); c.2254A>C, p.Asn752His (NM_001369365.1); short protein forms N752H, N763H.
Identifiers: ClinVar variation 961322 (VCV000961322.9), dbSNP rs1954925692, ClinGen allele CA381940788.
Genomic context (GRCh38, chr11:77,179,049, plus strand): 5'-CCTGTACCCTGGCTGCCTCTGGACACTGCTCACCCGCGCCACTACTGCTGTTTCAGGTCT[A>C]ACTTTCTGAAGCTGAAGAACGCTGCCACACTGATCCAGAGGCACTGGCGGGGTCACAACT-3'
Protein context (NP_000251.3, residues 753-773): KVIRGFKDRS[Asn763His]FLKLKNAATL

ClinVar aggregate classification (germline): Uncertain significance (1 of 4 stars; one submission).

Submission:

Labcorp Genetics (formerly Invitae), Labcorp
Classification: Uncertain significance. Last evaluated: 2019-08-20. Review status: criteria provided, single submitter. Criteria: Invitae Variant Classification Sherloc (09022015). Collection method: clinical testing. Allele origin: germline.
Comment: In summary, the available evidence is currently insufficient to determine the role of this variant in disease. Therefore, it has been classified as a Variant of Uncertain Significance. Algorithms developed to predict the effect of missense changes on protein structure and function are either unavailable or do not agree on the potential impact of this missense change (SIFT: "Deleterious"; PolyPhen-2: "Benign"; Align-GVGD: "Class C0"). This variant has not been reported in the literature in individuals with MYO7A-related conditions. This variant is not present in population databases (ExAC no frequency). This sequence change replaces asparagine with histidine at codon 763 of the MYO7A protein (p.Asn763His). The asparagine residue is moderately conserved and there is a small physicochemical difference between asparagine and histidine.